The following is an entry in ClinVar:

NM_017755.6(NSUN2):c.891-6C>G

Gene: NSUN2 (NOP2/Sun RNA methyltransferase 2; minus strand). Cytogenetic location: 5p15.31.
Variant type: single nucleotide variant.
Coding change: c.891-6C>G on transcript NM_017755.6 (MANE Select); 6 bases into the intron before coding-DNA position 891, C replaced by G.
Molecular consequence: intron variant.
Genome position (GRCh38, 1-based): chr5:6,616,863, G>C on the plus strand (C>G on the coding strand, the complement: NSUN2 is on the minus strand). VCF-style: chr5-6616863-G-C. GRCh37 (hg19) VCF-style: chr5-6616976-G-C.
Other names: c.786-6C>G (NM_001193455.2).
Identifiers: ClinVar variation 2231419 (VCV002231419.2), dbSNP rs1322072303, ClinGen allele CA813185273.

ClinVar aggregate classification (germline): Uncertain significance (1 of 4 stars; one submission).

Conditions:
Inborn genetic diseases. Identifiers: MedGen C0950123, MeSH D030342.

Allele frequency attached by ClinVar (database versions not stated): gnomAD 0.00001.
gnomAD v4.1: 57 of 1,610,760 alleles (0.0035%); highest among the groups gnomAD compares: Non-Finnish European, 0.0048%; no homozygotes.

Submission:

Ambry Genetics
Classification: Uncertain significance for Inborn genetic diseases. Last evaluated: 2021-06-23. Review status: criteria provided, single submitter. Criteria: Ambry Variant Classification Scheme 2023. Collection method: clinical testing. Allele origin: germline.
Comment: The c.891-6C>G intronic alteration consists of a C to G substitution 6 nucleotides before coding exon 9 in the NSUN2 gene. Based on insufficient or conflicting evidence, the clinical significance of this alteration remains unclear.